The following is an entry in ClinVar:

ClinVar aggregate classification (germline): Uncertain significance. Review status: criteria provided, multiple submitters, no conflicts (2 of 4 stars). 2 submissions from 2 submitters: Uncertain significance (2). Last evaluated 2024-06-12.

Conditions:
Hereditary cancer-predisposing syndrome. Also called: Hereditary Cancer Syndrome; Hereditary neoplastic syndrome; Neoplastic Syndromes, Hereditary; Tumor predisposition. Identifiers: Orphanet 140162, MedGen C0027672, MeSH D009386, MONDO:0015356.
Oligodontia-cancer predisposition syndrome. Also called: TOOTH AGENESIS-COLORECTAL CANCER SYNDROME. Identifiers: Orphanet 300576, MedGen C1837750, MONDO:0012075, OMIM 608615. Disease mechanism: loss of function.

Submissions (2):

Labcorp Genetics (formerly Invitae), Labcorp
Classification: Uncertain significance for Oligodontia-cancer predisposition syndrome. Last evaluated: 2024-06-12. Review status: criteria provided, single submitter. Criteria: Invitae Variant Classification Sherloc (09022015). Collection method: clinical testing. Allele origin: germline.
Comment: This sequence change replaces asparagine, which is neutral and polar, with lysine, which is basic and polar, at codon 692 of the AXIN2 protein (p.Asn692Lys). This variant is not present in population databases (gnomAD no frequency). This variant has not been reported in the literature in individuals affected with AXIN2-related conditions. ClinVar contains an entry for this variant (Variation ID: 1432026). Advanced modeling of protein sequence and biophysical properties (such as structural, functional, and spatial information, amino acid conservation, physicochemical variation, residue mobility, and thermodynamic stability) performed at Invitae indicates that this missense variant is expected to disrupt AXIN2 protein function with a positive predictive value of 80%. In summary, the available evidence is currently insufficient to determine the role of this variant in disease. Therefore, it has been classified as a Variant of Uncertain Significance.

Ambry Genetics
Classification: Uncertain significance for Hereditary cancer-predisposing syndrome. Last evaluated: 2024-04-18. Review status: criteria provided, single submitter. Criteria: Ambry Variant Classification Scheme 2023. Collection method: clinical testing. Allele origin: germline.
Comment: The p.N692K variant (also known as c.2076C>A), located in coding exon 7 of the AXIN2 gene, results from a C to A substitution at nucleotide position 2076. The asparagine at codon 692 is replaced by lysine, an amino acid with similar properties. This amino acid position is highly conserved in available vertebrate species. In addition, this alteration is predicted to be tolerated by in silico analysis. Based on the available evidence, the clinical significance of this variant remains unclear.

NM_004655.4(AXIN2):c.2076C>A (p.Asn692Lys)

Gene: AXIN2 (axin 2; minus strand). Cytogenetic location: 17q24.1.
Variant type: single nucleotide variant.
Coding change: c.2076C>A on transcript NM_004655.4 (MANE Select); coding-DNA position 2076, C replaced by A.
Protein change: p.Asn692Lys; replaces asparagine 692 with lysine.
Molecular consequence: missense variant.
Genome position (GRCh38, 1-based): chr17:65,536,385, G>T on the plus strand (C>A on the coding strand, the complement: AXIN2 is on the minus strand). VCF-style: chr17-65536385-G-T. GRCh37 (hg19) VCF-style: chr17-63532503-G-T.
Other names: c.1881C>A, p.Asn627Lys (NM_001363813.1); c.2076C>A (NM_004655.3); short protein forms N692K, N627K.
Identifiers: ClinVar variation 1432026 (VCV001432026.9), dbSNP rs2043915690, ClinGen allele CA400676036.
Genomic context (GRCh38, chr17:65,536,385, plus strand): 5'-CTTTGGGGGCTTCGACACCTCAGCTAGCCTGCGACAGGCCTCCTCCAGCTGAGCCAGCGT[G>T]TTGGGTGGGGTCAGGGGAGGCATCGCAGGGTCCTGGGTGAACAGGTGGGCACGGGGGGTG-3'
Protein context (NP_004646.3, residues 682-702): DPAMPPLTPP[Asn692Lys]TLAQLEEACR